The following is an entry in ClinVar:

NM_024757.5(EHMT1):c.714C>G (p.Asn238Lys)

Gene: EHMT1 (euchromatic histone lysine methyltransferase 1; plus strand). Cytogenetic location: 9q34.3.
Variant type: single nucleotide variant.
Coding change: c.714C>G on transcript NM_024757.5 (MANE Select); coding-DNA position 714, C replaced by G.
Protein change: p.Asn238Lys; replaces asparagine 238 with lysine.
Molecular consequence: missense variant.
Genome position (GRCh38, 1-based): chr9:137,728,420, C>G. VCF-style: chr9-137728420-C-G. GRCh37 (hg19) VCF-style: chr9-140622872-C-G.
Other names: c.714C>G, p.Asn238Lys (NM_001354263.2, NM_001354611.2, NM_001145527.2); c.621C>G, p.Asn207Lys (NM_001354612.2, NM_001354259.2); short protein forms N238K, N207K.
Identifiers: ClinVar variation 1972504 (VCV001972504.5), dbSNP rs1946815652, ClinGen allele CA375771951.

ClinVar aggregate classification (germline): Uncertain significance (1 of 4 stars; one submission).

Conditions:
Kleefstra syndrome 1 (KLEFS1). Identifiers: Orphanet 261494, MedGen C0795833, MONDO:0027407, OMIM 610253.

Allele frequency attached by ClinVar (database versions not stated): TOPMed below 0.00001; gnomAD exomes below 0.00001.
gnomAD v4.1: 3 of 1,614,208 alleles (0.00019%); highest among the groups gnomAD compares: African/African-American, 0.0027%; no homozygotes.

Submission:

Labcorp Genetics (formerly Invitae), Labcorp
Classification: Uncertain significance for Kleefstra syndrome 1. Last evaluated: 2025-06-12. Review status: criteria provided, single submitter. Criteria: Invitae Variant Classification Sherloc (09022015). Collection method: clinical testing. Allele origin: germline.
Comment: This sequence change replaces asparagine, which is neutral and polar, with lysine, which is basic and polar, at codon 238 of the EHMT1 protein (p.Asn238Lys). This variant is not present in population databases (gnomAD no frequency). This variant has not been reported in the literature in individuals affected with EHMT1-related conditions. ClinVar contains an entry for this variant (Variation ID: 1972504). Invitae Evidence Modeling of protein sequence and biophysical properties (such as structural, functional, and spatial information, amino acid conservation, physicochemical variation, residue mobility, and thermodynamic stability) indicates that this missense variant is not expected to disrupt EHMT1 protein function with a negative predictive value of 80%. In summary, the available evidence is currently insufficient to determine the role of this variant in disease. Therefore, it has been classified as a Variant of Uncertain Significance.